The following is an entry in ClinVar:

ClinVar aggregate classification (germline): Pathogenic (1 of 4 stars; one submission).

Conditions:
Neurofibromatosis, type 1 (NF1). Also called: Peripheral type neurofibromatosis; VON RECKLINGHAUSEN DISEASE; Neurofibromatosis, type I; NEUROFIBROMATOSIS, TYPE I, SOMATIC. Identifiers: Orphanet 636, MedGen C0027831, MONDO:0018975, OMIM 162200. Disease mechanism: loss of function.

Submission:

Labcorp Genetics (formerly Invitae), Labcorp
Classification: Pathogenic for Neurofibromatosis, type 1. Last evaluated: 2024-04-15. Review status: criteria provided, single submitter. Criteria: Invitae Variant Classification Sherloc (09022015). Collection method: clinical testing. Allele origin: germline.
Comment: This sequence change creates a premature translational stop signal (p.Val1372Cysfs*2) in the NF1 gene. It is expected to result in an absent or disrupted protein product. Loss-of-function variants in NF1 are known to be pathogenic (PMID: 10712197, 23913538). This variant is not present in population databases (gnomAD no frequency). This variant has not been reported in the literature in individuals affected with NF1-related conditions. ClinVar contains an entry for this variant (Variation ID: 938607). For these reasons, this variant has been classified as Pathogenic.

Literature cited by the submitters: PubMed 10712197; PubMed 23913538.

NM_001042492.3(NF1):c.4176_4177insT (p.Val1393fs)

Gene: NF1 (neurofibromin 1; plus strand). Cytogenetic location: 17q11.2.
Variant type: Insertion.
Coding change: c.4176_4177insT on transcript NM_001042492.3 (MANE Select); coding-DNA positions 4176 to 4177, T inserted.
Protein change: p.Val1393fs; shifts the reading frame from valine 1393.
Molecular consequence: frameshift variant.
Genome position: GRCh38 VCF-style: chr17-31258346-G-GT. GRCh37 (hg19) VCF-style: chr17-29585364-G-GT.
Other names: c.4113_4114insT, p.Val1372Cysfs (NM_000267.4); short protein forms V1372fs, V1393fs.
Identifiers: ClinVar variation 938607 (VCV000938607.6), dbSNP rs2067620152, ClinGen allele CA1139665368.